The following is an entry in ClinVar:

NM_003185.4(TAF4):c.730G>C (p.Val244Leu)

Gene: TAF4 (TATA-box binding protein associated factor 4; minus strand). Cytogenetic location: 20q13.33.
Variant type: single nucleotide variant.
Coding change: c.730G>C on transcript NM_003185.4 (MANE Select); coding-DNA position 730, G replaced by C.
Protein change: p.Val244Leu; replaces valine 244 with leucine.
Molecular consequence: missense variant.
Genome position (GRCh38, 1-based): chr20:62,065,081, C>G on the plus strand (G>C on the coding strand, the complement: TAF4 is on the minus strand). VCF-style: chr20-62065081-C-G. GRCh37 (hg19) VCF-style: chr20-60640137-C-G.
Other names: c.730G>C (NM_003185.3); short protein forms V244L.
Identifiers: ClinVar variation 3388363 (VCV003388363.15).

ClinVar aggregate classification (germline): Likely benign. Review status: criteria provided, multiple submitters, no conflicts (2 of 4 stars). 2 submissions from 2 submitters: Likely benign (2). Last evaluated 2024-11-01.

Conditions:
Inborn genetic diseases. Identifiers: MedGen C0950123, MeSH D030342.

Submissions (2):

CeGaT Center for Human Genetics Tuebingen
Classification: Likely benign. Last evaluated: 2024-11-01. Review status: criteria provided, single submitter. Criteria: CeGaT Center For Human Genetics Tuebingen Variant Classification Criteria Version 2. Collection method: clinical testing. Allele origin: germline. Affected: yes. Observed: 1 variant allele.
Comment: TAF4: BP4, BS1

Ambry Genetics
Classification: Likely benign for Inborn genetic diseases. Last evaluated: 2024-08-27. Review status: criteria provided, single submitter. Criteria: Ambry Variant Classification Scheme 2023. Collection method: clinical testing. Allele origin: germline.